The following is an entry in ClinVar:

NM_001142864.4(PIEZO1):c.1072C>T (p.Leu358=)

Genes: HSALR1 (HSP90AB1 associated lncRNA 1; plus strand), PIEZO1 (piezo type mechanosensitive ion channel component 1 (Er blood group); minus strand). Cytogenetic location: 16q24.3.
Variant type: single nucleotide variant.
Coding change: c.1072C>T on transcript NM_001142864.4 (MANE Select); coding-DNA position 1072, C replaced by T.
Protein change: p.Leu358=; no amino-acid change (leucine 358 retained).
Molecular consequence: synonymous variant.
Genome position (GRCh38, 1-based): chr16:88,737,763, G>A on the plus strand (C>T on the coding strand, the complement: PIEZO1 is on the minus strand). VCF-style: chr16-88737763-G-A. GRCh37 (hg19) VCF-style: chr16-88804171-G-A.
Other names: p.Leu358=.
Identifiers: ClinVar variation 784664 (VCV000784664.42), dbSNP rs145579632, ClinGen allele CA8233126.

ClinVar aggregate classification (germline): Benign/Likely benign. Review status: criteria provided, multiple submitters, no conflicts (2 of 4 stars). 5 submissions from 5 submitters: Benign (1); Likely benign (4). Last evaluated 2026-05-01.

Allele frequency attached by ClinVar (database versions not stated): gnomAD exomes 0.00039 and 0.00079; ExAC 0.00106; 1000 Genomes Project 30x 0.00281; 1000 Genomes Project 0.00319; gnomAD 0.00338 and 0.00358; ESP Exome Variant Server 0.00350; TOPMed 0.00416.
gnomAD v4.1: 1,106 of 1,535,762 alleles (0.072%); highest among the groups gnomAD compares: African/African-American, 1.2%; 7 homozygotes.

Submissions (5):

CeGaT Center for Human Genetics Tuebingen
Classification: Likely benign. Last evaluated: 2026-05-01. Review status: criteria provided, single submitter. Criteria: CeGaT Center For Human Genetics Tuebingen Variant Classification Criteria Version 2. Collection method: clinical testing. Allele origin: germline. Affected: yes. Observed: 2 variant alleles.
Comment: PIEZO1: BP4, BP7, BS1

Labcorp Genetics (formerly Invitae), Labcorp
Classification: Benign. Last evaluated: 2025-10-26. Review status: criteria provided, single submitter. Criteria: Invitae Variant Classification Sherloc (09022015). Collection method: clinical testing. Allele origin: germline.

Blueprint Genetics
Classification: Likely benign. Last evaluated: 2024-11-01. Review status: criteria provided, single submitter. Criteria: ACMG Guidelines, 2015. Collection method: clinical testing. Allele origin: germline.

Mayo Clinic Laboratories, Mayo Clinic
Classification: Likely benign. Last evaluated: 2024-10-15. Review status: criteria provided, single submitter. Criteria: ACMG Guidelines, 2015. Collection method: clinical testing. Allele origin: germline. Observed: 15 variant alleles.

ARUP Laboratories, Molecular Genetics and Genomics, ARUP Laboratories
Classification: Likely benign. Last evaluated: 2023-09-14. Review status: criteria provided, single submitter. Criteria: ARUP Molecular Germline Variant Investigation Process 2024. Collection method: clinical testing. Allele origin: germline.